The following is an entry in ClinVar:

ClinVar aggregate classification (germline): Benign (1 of 4 stars; one submission).

Conditions:
Pheochromocytoma/paraganglioma syndrome 3. Also called: GLOMUS TUMORS, FAMILIAL, 3; Paragangliomas 3; SDHC-Related Hereditary Paraganglioma-Pheochromocytoma Syndrome (Paragangliomas 3); SDHC-Related Hereditary Paraganglioma-Pheochromocytoma Syndrome. Identifiers: Orphanet 29072, MedGen C1854336, MONDO:0011544, OMIM 605373.

Submission:

Myriad Genetics, Inc.
Classification: Benign for Pheochromocytoma/paraganglioma syndrome 3. Last evaluated: 2025-03-17. Review status: criteria provided, single submitter. Criteria: Myriad Autosomal Dominant, Autosomal Recessive and X-Linked Classification Criteria (2023). Collection method: clinical testing. Allele origin: unknown.
Comment: This variant is considered benign. This variant occurs in the non-coding 3' untranslated region of the gene, and is not expected to impact protein function.

NM_003001.5(SDHC):c.*1A>G

Gene: SDHC (succinate dehydrogenase complex subunit C; plus strand). Cytogenetic location: 1q23.3.
Variant type: single nucleotide variant.
Coding change: c.*1A>G on transcript NM_003001.5 (MANE Select); 1 bases downstream of the stop codon, A replaced by G.
Molecular consequence: 3 prime UTR variant. On other transcripts: missense variant (3), non-coding transcript variant (1).
Genome position (GRCh38, 1-based): chr1:161,362,434, A>G. VCF-style: chr1-161362434-A-G. GRCh37 (hg19) VCF-style: chr1-161332224-A-G.
Other names: c.347A>G, p.Lys116Arg (NM_001035511.3); c.*1A>G (NM_001035512.3, NM_001035513.3, NM_001407115.1 and 5 more transcripts); c.245A>G, p.Lys82Arg (NM_001278172.3); c.290A>G, p.Lys97Arg (NM_001407121.1); short protein forms K116R, K82R, K97R.
Identifiers: ClinVar variation 3904359 (VCV003904359.1).